The following is an entry in ClinVar:

NM_000135.4(FANCA):c.1428C>G (p.Phe476Leu)

Gene: FANCA (FA complementation group A; minus strand). Cytogenetic location: 16q24.3.
Variant type: single nucleotide variant.
Coding change: c.1428C>G on transcript NM_000135.4 (MANE Select); coding-DNA position 1428, C replaced by G.
Protein change: p.Phe476Leu; replaces phenylalanine 476 with leucine.
Molecular consequence: missense variant.
Genome position (GRCh38, 1-based): chr16:89,784,896, G>C on the plus strand (C>G on the coding strand, the complement: FANCA is on the minus strand). VCF-style: chr16-89784896-G-C. GRCh37 (hg19) VCF-style: chr16-89851304-G-C.
Other names: c.1428C>G, p.Phe476Leu (NM_001286167.3); short protein forms F476L.
Identifiers: ClinVar variation 2079781 (VCV002079781.1), dbSNP rs2544250058, ClinGen allele CA397459829.

ClinVar aggregate classification (germline): Uncertain significance (1 of 4 stars; one submission).

Conditions:
Fanconi anemia (FA). Also called: Fanconi's anemia. Identifiers: Orphanet 84, MedGen C0015625, MeSH D005199, MONDO:0019391.

Allele frequency attached by ClinVar (database versions not stated): gnomAD exomes 0.00001.
gnomAD v4.1: 5 of 1,614,168 alleles (0.00031%); highest among the groups gnomAD compares: Non-Finnish European, 0.00042%; no homozygotes.

Submission:

Labcorp Genetics (formerly Invitae), Labcorp
Classification: Uncertain significance for Fanconi anemia. Last evaluated: 2022-08-21. Review status: criteria provided, single submitter. Criteria: Invitae Variant Classification Sherloc (09022015). Collection method: clinical testing. Allele origin: germline.
Comment: This sequence change replaces phenylalanine, which is neutral and non-polar, with leucine, which is neutral and non-polar, at codon 476 of the FANCA protein (p.Phe476Leu). This variant is not present in population databases (gnomAD no frequency). This variant has not been reported in the literature in individuals affected with FANCA-related conditions. Advanced modeling of protein sequence and biophysical properties (such as structural, functional, and spatial information, amino acid conservation, physicochemical variation, residue mobility, and thermodynamic stability) performed at Invitae indicates that this missense variant is expected to disrupt FANCA protein function. In summary, the available evidence is currently insufficient to determine the role of this variant in disease. Therefore, it has been classified as a Variant of Uncertain Significance.